The following is an entry in ClinVar:

NM_005502.4(ABCA1):c.4912C>T (p.Leu1638Phe)

Gene: ABCA1 (ATP binding cassette subfamily A member 1; minus strand). Cytogenetic location: 9q31.1.
Variant type: single nucleotide variant.
Coding change: c.4912C>T on transcript NM_005502.4 (MANE Select); coding-DNA position 4912, C replaced by T.
Protein change: p.Leu1638Phe; replaces leucine 1638 with phenylalanine.
Molecular consequence: missense variant.
Genome position (GRCh38, 1-based): chr9:104,799,850, G>A on the plus strand (C>T on the coding strand, the complement: ABCA1 is on the minus strand). VCF-style: chr9-104799850-G-A. GRCh37 (hg19) VCF-style: chr9-107562131-G-A.
Other names: short protein forms L1638F.
Identifiers: ClinVar variation 2085335 (VCV002085335.4), dbSNP rs2538073754, ClinGen allele CA374314375.

ClinVar aggregate classification (germline): Uncertain significance (1 of 4 stars; one submission).

Allele frequency attached by ClinVar (database versions not stated): gnomAD exomes below 0.00001.
gnomAD v4.1: 1 of 1,614,214 alleles (0.000062%); highest among the groups gnomAD compares: Non-Finnish European, 0.000085%; no homozygotes.

Submission:

Labcorp Genetics (formerly Invitae), Labcorp
Classification: Uncertain significance. Last evaluated: 2022-09-27. Review status: criteria provided, single submitter. Criteria: Invitae Variant Classification Sherloc (09022015). Collection method: clinical testing. Allele origin: germline.
Comment: In summary, the available evidence is currently insufficient to determine the role of this variant in disease. Therefore, it has been classified as a Variant of Uncertain Significance. Advanced modeling of protein sequence and biophysical properties (such as structural, functional, and spatial information, amino acid conservation, physicochemical variation, residue mobility, and thermodynamic stability) performed at Invitae indicates that this missense variant is not expected to disrupt ABCA1 protein function. This variant has not been reported in the literature in individuals affected with ABCA1-related conditions. This variant is not present in population databases (gnomAD no frequency). This sequence change replaces leucine, which is neutral and non-polar, with phenylalanine, which is neutral and non-polar, at codon 1638 of the ABCA1 protein (p.Leu1638Phe).